The following is an entry in ClinVar:

ClinVar aggregate classification (germline): Pathogenic (1 of 4 stars; one submission).

Conditions:
Hereditary cancer-predisposing syndrome. Also called: Tumor predisposition; Neoplastic Syndromes, Hereditary; Hereditary Cancer Syndrome; Hereditary neoplastic syndrome. Identifiers: Orphanet 140162, MedGen C0027672, MeSH D009386, MONDO:0015356.

Submission:

Ambry Genetics
Classification: Pathogenic for Hereditary cancer-predisposing syndrome. Last evaluated: 2024-07-12. Review status: criteria provided, single submitter. Criteria: Ambry Variant Classification Scheme 2023. Collection method: clinical testing. Allele origin: germline.
Comment: The p.Q1181* pathogenic mutation (also known as c.3541C>T), located in coding exon 10 of the BRCA2 gene, results from a C to T substitution at nucleotide position 3541. This changes the amino acid from a glutamine to a stop codon within coding exon 10. This variant was identified in 1 of 2351 breast and/or ovarian cancer patients undergoing BRCA1/2 genetic testing (Santonocito C et al. Cancers (Basel), 2020 May;12:). This variant is considered to be rare based on population cohorts in the Genome Aggregation Database (gnomAD). In addition to the clinical data presented in the literature, this alteration is expected to result in loss of function by premature protein truncation or nonsense-mediated mRNA decay. As such, this alteration is interpreted as a disease-causing mutation.

Literature cited by the submitters: PubMed 32438681.

NM_000059.4(BRCA2):c.3541C>T (p.Gln1181Ter)

Gene: BRCA2 (BRCA2 DNA repair associated; plus strand). Cytogenetic location: 13q13.1.
Variant type: single nucleotide variant.
Coding change: c.3541C>T on transcript NM_000059.4 (MANE Select); coding-DNA position 3541, C replaced by T.
Protein change: p.Gln1181Ter; replaces glutamine 1181 with a stop codon.
Molecular consequence: nonsense. On other transcripts: non-coding transcript variant (1), intron variant (2).
Genome position (GRCh38, 1-based): chr13:32,337,896, C>T. VCF-style: chr13-32337896-C-T. GRCh37 (hg19) VCF-style: chr13-32912033-C-T.
Other names: c.3541C>T, p.Gln1181Ter (NM_001406719.1, NM_001406720.1, NM_001432077.1); c.1909+4509C>T (NM_001406721.1); c.425-6662C>T (NM_001406722.1); short protein forms Q1181*.
Identifiers: ClinVar variation 3482004 (VCV003482004.1).
Genomic context (GRCh38, chr13:32,337,896, plus strand): 5'-GATGCTGATCTTCATGTCATAATGAATGCCCCATCGATTGGTCAGGTAGACAGCAGCAAG[C>T]AATTTGAAGGTACAGTTGAAATTAAACGGAAGTTTGCTGGCCTGTTGAAAAATGACTGTA-3'